The following is an entry in ClinVar:

NM_005861.4(STUB1):c.655G>A (p.Asp219Asn)

Genes: JMJD8 (jumonji domain containing 8; minus strand), STUB1 (STIP1 homology and U-box containing protein 1; plus strand). Cytogenetic location: 16p13.3.
Variant type: single nucleotide variant.
Coding change: c.655G>A on transcript NM_005861.4 (MANE Select); coding-DNA position 655, G replaced by A.
Protein change: p.Asp219Asn; replaces aspartic acid 219 with asparagine.
Molecular consequence: missense variant. On other transcripts: 3 prime UTR variant (5), non-coding transcript variant (3).
Genome position (GRCh38, 1-based): chr16:682,062, G>A. VCF-style: chr16-682062-G-A. GRCh37 (hg19) VCF-style: chr16-732062-G-A.
Other names: c.439G>A, p.Asp147Asn (NM_001293197.2); c.*732C>T (NM_001005920.4, NM_001323919.3, NM_001323920.3); c.*766C>T (NM_001323918.3, NM_001323922.3); short protein forms D219N, D147N.
Identifiers: ClinVar variation 4988495 (VCV004988495.1).

ClinVar aggregate classification (germline): Uncertain significance (1 of 4 stars; one submission).

Conditions:
STUB1-related disorder. Also called: STUB1-related condition.

gnomAD v4.1: 10 of 1,583,886 alleles (0.00063%); highest among the groups gnomAD compares: Non-Finnish European, 0.00086%; no homozygotes.

Submission:

PreventionGenetics, part of Exact Sciences
Classification: Uncertain significance for STUB1-related condition. Last evaluated: 2024-12-26. Review status: criteria provided, single submitter. Criteria: ACMG Guidelines, 2015. Collection method: clinical testing. Allele origin: germline.
Comment: The STUB1 c.655G>A variant is predicted to result in the amino acid substitution p.Asp219Asn. To our knowledge, this variant has not been reported in the literature. This variant is reported in 0.00093% of alleles in individuals of European (Non-Finnish) descent in gnomAD. At this time, the clinical significance of this variant is uncertain due to the absence of conclusive functional and genetic evidence.